The following is an entry in ClinVar:

NM_001130144.3(LTBP3):c.2281A>G (p.Asn761Asp)

Genes: LTBP3 (latent transforming growth factor beta binding protein 3; minus strand), LOC130006029 (ATAC-STARR-seq lymphoblastoid silent region 3532; plus strand). Cytogenetic location: 11q13.1.
Variant type: single nucleotide variant.
Coding change: c.2281A>G on transcript NM_001130144.3 (MANE Select); coding-DNA position 2281, A replaced by G.
Protein change: p.Asn761Asp; replaces asparagine 761 with aspartic acid.
Molecular consequence: missense variant.
Genome position (GRCh38, 1-based): chr11:65,546,514, T>C on the plus strand (A>G on the coding strand, the complement: LTBP3 is on the minus strand). VCF-style: chr11-65546514-T-C. GRCh37 (hg19) VCF-style: chr11-65313985-T-C.
Other names: c.1930A>G, p.Asn644Asp (NM_001164266.1); c.2281A>G, p.Asn761Asp (NM_021070.4); short protein forms N761D, N644D.
Identifiers: ClinVar variation 3688808 (VCV003688808.2).

ClinVar aggregate classification (germline): Uncertain significance (1 of 4 stars; one submission).

Conditions:
Brachyolmia-amelogenesis imperfecta syndrome. Also called: Tooth agenesis, selective, 6; Dental anomalies and short stature; PLATYSPONDYLY WITH AMELOGENESIS IMPERFECTA. Identifiers: Orphanet 2899, MedGen C1832594, MONDO:0011018, OMIM 601216. Disease mechanism: loss of function.

Submission:

Labcorp Genetics (formerly Invitae), Labcorp
Classification: Uncertain significance for Brachyolmia-amelogenesis imperfecta syndrome. Last evaluated: 2024-06-23. Review status: criteria provided, single submitter. Criteria: Invitae Variant Classification Sherloc (09022015). Collection method: clinical testing. Allele origin: germline.
Comment: This sequence change replaces asparagine, which is neutral and polar, with aspartic acid, which is acidic and polar, at codon 761 of the LTBP3 protein (p.Asn761Asp). This variant is not present in population databases (gnomAD no frequency). This variant has not been reported in the literature in individuals affected with LTBP3-related conditions. An algorithm developed to predict the effect of missense changes on protein structure and function (PolyPhen-2) suggests that this variant is likely to be disruptive. In summary, the available evidence is currently insufficient to determine the role of this variant in disease. Therefore, it has been classified as a Variant of Uncertain Significance.